The following is an entry in ClinVar:

NM_001252024.2(TRPM1):c.4249G>A (p.Val1417Ile)

Gene: TRPM1 (transient receptor potential cation channel subfamily M member 1; minus strand). Cytogenetic location: 15q13.3.
Variant type: single nucleotide variant.
Coding change: c.4249G>A on transcript NM_001252024.2 (MANE Select); coding-DNA position 4249, G replaced by A.
Protein change: p.Val1417Ile; replaces valine 1417 with isoleucine.
Molecular consequence: missense variant.
Genome position (GRCh38, 1-based): chr15:31,002,451, C>T on the plus strand (G>A on the coding strand, the complement: TRPM1 is on the minus strand). VCF-style: chr15-31002451-C-T. GRCh37 (hg19) VCF-style: chr15-31294654-C-T.
Other names: c.4300G>A, p.Val1434Ile (NM_001252020.2); c.4183G>A, p.Val1395Ile (NM_002420.6); short protein forms V1395I, V1417I, V1434I.
Identifiers: ClinVar variation 315496 (VCV000315496.17), dbSNP rs3784588, ClinGen allele CA7451679.

ClinVar aggregate classification (germline): Benign. Review status: criteria provided, multiple submitters, no conflicts (2 of 4 stars). 5 submissions from 5 submitters: Benign (5). Last evaluated 2026-02-01.

Conditions:
Congenital stationary night blindness 1C. Also called: Night blindness, congenital stationary (complete), 1C, autosomal recessive. Identifiers: Orphanet 215, MedGen C2750747, MONDO:0013183, OMIM 613216.

Allele frequency attached by ClinVar (database versions not stated): ESP Exome Variant Server 0.04475; gnomAD 0.05322 and 0.05748; TOPMed 0.06298; gnomAD exomes 0.06565 and 0.08334; ExAC 0.07868; 1000 Genomes Project 30x 0.08916; 1000 Genomes Project 0.08946.
gnomAD v4.1: 105,138 of 1,614,154 alleles (6.5%); highest among the groups gnomAD compares: Admixed American, 16%; 4,382 homozygotes.

Submissions (5):

Labcorp Genetics (formerly Invitae), Labcorp
Classification: Benign. Last evaluated: 2026-02-01. Review status: criteria provided, single submitter. Criteria: Invitae Variant Classification Sherloc (09022015). Collection method: clinical testing. Allele origin: germline.

Blueprint Genetics
Classification: Benign. Last evaluated: 2024-11-27. Review status: criteria provided, single submitter. Criteria: ACMG Guidelines, 2015. Collection method: clinical testing. Allele origin: germline.

Illumina Laboratory Services, Illumina
Classification: Benign for Congenital stationary night blindness 1C. Last evaluated: 2018-01-13. Review status: criteria provided, single submitter. Criteria: ICSL Variant Classification Criteria 13 December 2019. Collection method: clinical testing. Allele origin: germline.
Comment: This variant was observed in the ICSL laboratory as part of a predisposition screen in an ostensibly healthy population. It had not been previously curated by ICSL or reported in the Human Gene Mutation Database (HGMD: prior to June 1st, 2018), and was therefore a candidate for classification through an automated scoring system. Utilizing variant allele frequency, disease prevalence and penetrance estimates, and inheritance mode, an automated score was calculated to assess if this variant is too frequent to cause the disease. Based on the score and internal cut-off values, a variant classified as benign is not then subjected to further curation. The score for this variant resulted in a classification of benign for this disease.

GeneDx
Classification: Benign. Last evaluated: 2015-03-03. Review status: criteria provided, single submitter. Criteria: GeneDx Variant Classification Process June 2021. Collection method: clinical testing. Allele origin: germline. Affected: yes.

Breakthrough Genomics
Classification: Benign. Review status: criteria provided, single submitter. Criteria: ACMG Guidelines, 2015. Collection method: not provided. Allele origin: germline. Inheritance: Unknown mechanism. Affected: yes.